The following is an entry in ClinVar:

NM_001558.4(IL10RA):c.1718G>A (p.Ser573Asn)

Gene: IL10RA (interleukin 10 receptor subunit alpha; plus strand). Cytogenetic location: 11q23.3.
Variant type: single nucleotide variant.
Coding change: c.1718G>A on transcript NM_001558.4 (MANE Select); coding-DNA position 1718, G replaced by A.
Protein change: p.Ser573Asn; replaces serine 573 with asparagine.
Molecular consequence: missense variant. On other transcripts: non-coding transcript variant (1).
Genome position (GRCh38, 1-based): chr11:117,999,622, G>A. VCF-style: chr11-117999622-G-A. GRCh37 (hg19) VCF-style: chr11-117870337-G-A.
Other names: short protein forms S573N.
Identifiers: ClinVar variation 1005156 (VCV001005156.6), dbSNP rs1338593881, ClinGen allele CA382783049.

ClinVar aggregate classification (germline): Uncertain significance (1 of 4 stars; one submission).

Conditions:
Inflammatory bowel disease 28. Also called: Inflammatory bowel disease 28, early onset, autosomal recessive. Identifiers: Orphanet 238569, MedGen C2751053, MONDO:0013153, OMIM 613148.

Allele frequency attached by ClinVar (database versions not stated): gnomAD 0.00001 and 0.00002; gnomAD exomes 0.00001 and 0.00002; TOPMed 0.00004.
gnomAD v4.1: 22 of 1,613,914 alleles (0.0014%); highest among the groups gnomAD compares: Admixed American, 0.0083%; no homozygotes.

Submission:

Labcorp Genetics (formerly Invitae), Labcorp
Classification: Uncertain significance for Inflammatory bowel disease 28. Last evaluated: 2023-11-27. Review status: criteria provided, single submitter. Criteria: Invitae Variant Classification Sherloc (09022015). Collection method: clinical testing. Allele origin: germline.
Comment: This sequence change replaces serine, which is neutral and polar, with asparagine, which is neutral and polar, at codon 573 of the IL10RA protein (p.Ser573Asn). This variant is present in population databases (no rsID available, gnomAD 0.01%). This variant has not been reported in the literature in individuals affected with IL10RA-related conditions. ClinVar contains an entry for this variant (Variation ID: 1005156). Advanced modeling of protein sequence and biophysical properties (such as structural, functional, and spatial information, amino acid conservation, physicochemical variation, residue mobility, and thermodynamic stability) performed at Invitae indicates that this missense variant is not expected to disrupt IL10RA protein function with a negative predictive value of 80%. In summary, the available evidence is currently insufficient to determine the role of this variant in disease. Therefore, it has been classified as a Variant of Uncertain Significance.